The following is an entry in ClinVar:

ClinVar aggregate classification (germline): Uncertain significance (1 of 4 stars; one submission).

Conditions:
Cardiovascular phenotype. Identifiers: MedGen CN230736.

Submission:

Ambry Genetics
Classification: Uncertain significance for Cardiovascular phenotype. Last evaluated: 2026-07-22. Review status: criteria provided, single submitter. Criteria: Ambry Variant Classification Scheme 2023. Collection method: clinical testing. Allele origin: germline.
Comment: The c.1518G>C variant (also known as p.*506Yext*17), located in coding exon 8 of the SNTA1 gene, results from a G to C substitution at nucleotide position 1518. This variant disrupts the stop codon and is predicted to preserve the native sequence while resulting in the elongation of the protein by 17 amino acids. The exact functional effect of the additional amino acids is unknown. In addition, loss of function has not been established as a mechanism of disease. The evidence for this gene-disease relationship is limited; therefore, the clinical significance of this variant is unclear.

NM_003098.3(SNTA1):c.1518G>C (p.Ter506Tyr)

Gene: SNTA1 (syntrophin alpha 1; minus strand). Cytogenetic location: 20q11.21.
Variant type: single nucleotide variant.
Coding change: c.1518G>C on transcript NM_003098.3 (MANE Select); coding-DNA position 1518, G replaced by C.
Protein change: p.Ter506Tyr.
Molecular consequence: stop lost. On other transcripts: 3 prime UTR variant (1).
Genome position (GRCh38, 1-based): chr20:33,408,507, C>G on the plus strand (G>C on the coding strand, the complement: SNTA1 is on the minus strand). VCF-style: chr20-33408507-C-G. GRCh37 (hg19) VCF-style: chr20-31996313-C-G.
Other names: c.1515G>C, p.Ter505Tyr (NM_001424413.1); c.*59G>C (NM_001424414.1).
Identifiers: ClinVar variation 5030000 (VCV005030000.1).